The following is an entry in ClinVar:

NM_001370658.1(BTD):c.1199A>G (p.Asn400Ser)

Gene: BTD (biotinidase; plus strand). Cytogenetic location: 3p25.1.
Variant type: single nucleotide variant.
Coding change: c.1199A>G on transcript NM_001370658.1 (MANE Select); coding-DNA position 1199, A replaced by G.
Protein change: p.Asn400Ser; replaces asparagine 400 with serine.
Molecular consequence: missense variant. On other transcripts: intron variant (2).
Genome position (GRCh38, 1-based): chr3:15,645,115, A>G. VCF-style: chr3-15645115-A-G. GRCh37 (hg19) VCF-style: chr3-15686622-A-G.
Other names: c.1199A>G, p.Asn400Ser (NM_001407364.1, NM_001323582.2, NM_001281724.3 and 16 more transcripts); c.1259A>G, p.Asn420Ser (NM_000060.4); c.1015+184A>G (NM_001370752.1); c.399+3058A>G (NM_001370753.1); short protein forms N420S, N400S.
Identifiers: ClinVar variation 2159086 (VCV002159086.1), dbSNP rs201476469, ClinGen allele CA2277446.

ClinVar aggregate classification (germline): Uncertain significance (1 of 4 stars; one submission).

Conditions:
Biotinidase deficiency. Also called: BTD deficiency; Late-onset biotin-responsive multiple carboxylase deficiency; Biotin deficiency. Identifiers: Orphanet 79241, MedGen C0220754, MONDO:0009665, OMIM 253260.

Allele frequency attached by ClinVar (database versions not stated): TOPMed below 0.00001; ExAC 0.00001; gnomAD 0.00001; gnomAD exomes 0.00002.

Submission:

Labcorp Genetics (formerly Invitae), Labcorp
Classification: Uncertain significance for Biotinidase deficiency. Last evaluated: 2021-09-01. Review status: criteria provided, single submitter. Criteria: Invitae Variant Classification Sherloc (09022015). Collection method: clinical testing. Allele origin: germline.
Comment: This sequence change replaces asparagine with serine at codon 420 of the BTD protein (p.Asn420Ser). The asparagine residue is moderately conserved and there is a small physicochemical difference between asparagine and serine. This variant is present in population databases (rs201476469, ExAC 0.001%). This variant has not been reported in the literature in individuals affected with BTD-related conditions. Algorithms developed to predict the effect of missense changes on protein structure and function output the following: SIFT: "Tolerated"; PolyPhen-2: "Benign"; Align-GVGD: "Class C0". The serine amino acid residue is found in multiple mammalian species, which suggests that this missense change does not adversely affect protein function. Algorithms developed to predict the effect of sequence changes on RNA splicing suggest that this variant may create or strengthen a splice site. In summary, the available evidence is currently insufficient to determine the role of this variant in disease. Therefore, it has been classified as a Variant of Uncertain Significance.